The following is an entry in ClinVar:

NM_177438.3(DICER1):c.3519A>G (p.Thr1173=)

Gene: DICER1 (dicer 1, ribonuclease III; minus strand). Cytogenetic location: 14q32.13.
Variant type: single nucleotide variant.
Coding change: c.3519A>G on transcript NM_177438.3 (MANE Select); coding-DNA position 3519, A replaced by G.
Protein change: p.Thr1173=; no amino-acid change (threonine 1173 retained).
Molecular consequence: synonymous variant.
Genome position (GRCh38, 1-based): chr14:95,103,877, T>C on the plus strand (A>G on the coding strand, the complement: DICER1 is on the minus strand). VCF-style: chr14-95103877-T-C. GRCh37 (hg19) VCF-style: chr14-95570214-T-C.
Other names: c.3519A>G, p.Thr1173= (NM_001195573.1, NM_001271282.3, NM_001291628.2 and 1 more transcripts).
Identifiers: ClinVar variation 220926 (VCV000220926.20), dbSNP rs745483867, ClinGen allele CA348206.

ClinVar aggregate classification (germline): Benign/Likely benign. Review status: criteria provided, multiple submitters, no conflicts (2 of 4 stars). 6 submissions from 6 submitters: Benign (1); Likely benign (5). Last evaluated 2026-06-05.

Conditions:
DICER1-related disorder. Also called: DICER1-related condition.
DICER1-related tumor predisposition. Also called: DICER1-related pleuropulmonary blastoma cancer predisposition syndrome; DICER1 syndrome. Identifiers: Orphanet 284343, MedGen C3839822, MONDO:0100216.
Hereditary cancer-predisposing syndrome. Also called: Neoplastic Syndromes, Hereditary; Tumor predisposition; Hereditary Cancer Syndrome; Hereditary neoplastic syndrome. Identifiers: Orphanet 140162, MedGen C0027672, MeSH D009386, MONDO:0015356.

Allele frequency attached by ClinVar (database versions not stated): TOPMed 0.00001; ExAC 0.00002; gnomAD exomes 0.00002; gnomAD 0.00003 and 0.00004.
gnomAD v4.1: 24 of 1,614,090 alleles (0.0015%); highest among the groups gnomAD compares: Admixed American, 0.0067%; no homozygotes.

Submissions (6):

PreventionGenetics, part of Exact Sciences
Classification: Likely benign for DICER1-related condition. Last evaluated: 2026-06-05. Review status: criteria provided, single submitter. Criteria: ACMG Guidelines, 2015. Collection method: clinical testing. Allele origin: germline.
Comment: This variant is classified as likely benign based on ACMG/AMP sequence variant interpretation guidelines (Richards et al. 2015 PMID: 25741868, with internal and published modifications).

Myriad Genetics, Inc.
Classification: Benign for DICER1-related tumor predisposition. Last evaluated: 2026-04-17. Review status: criteria provided, single submitter. Criteria: Myriad Autosomal Dominant, Autosomal Recessive and X-Linked Classification Criteria (2023). Collection method: clinical testing. Allele origin: unknown.
Comment: This variant is considered benign. This variant is a silent/synonymous amino acid change and it is not expected to impact splicing.

Labcorp Genetics (formerly Invitae), Labcorp
Classification: Likely benign for DICER1-related tumor predisposition. Last evaluated: 2026-02-04. Review status: criteria provided, single submitter. Criteria: Invitae Variant Classification Sherloc (09022015). Collection method: clinical testing. Allele origin: germline.

Quest Diagnostics Nichols Institute San Juan Capistrano
Classification: Likely benign. Last evaluated: 2023-08-28. Review status: criteria provided, single submitter. Criteria: Quest Diagnostics criteria. Collection method: clinical testing. Allele origin: unknown.

Sema4
Classification: Likely benign for Hereditary cancer-predisposing syndrome. Last evaluated: 2021-09-15. Review status: criteria provided, single submitter. Criteria: Sema4 Curation Guidelines. Collection method: curation. Allele origin: germline.

Ambry Genetics
Classification: Likely benign for Hereditary cancer-predisposing syndrome. Last evaluated: 2017-04-10. Review status: criteria provided, single submitter. Criteria: Ambry Variant Classification Scheme 2023. Collection method: clinical testing. Allele origin: germline.